The following is an entry in ClinVar:

ClinVar aggregate classification (germline): Uncertain significance. Review status: criteria provided, multiple submitters, no conflicts (2 of 4 stars). 3 submissions from 3 submitters: Uncertain significance (2). 1 of the submissions does not count toward it. Last evaluated 2024-01-30.

Conditions:
Inborn genetic diseases. Identifiers: MedGen C0950123, MeSH D030342.
Choroideremia. Also called: Chorioretinal scalloped atrophy. Identifiers: Orphanet 180, MedGen C0008525, MONDO:0010557, OMIM 303100, HP:0001139.

Allele frequency attached by ClinVar (database versions not stated): gnomAD exomes below 0.00001 and 0.00001; gnomAD 0.00002 and 0.00003; TOPMed 0.00008.
gnomAD v4.1: 9 of 1,206,748 alleles (0.00075%); highest among the groups gnomAD compares: Admixed American, 0.013%; no homozygotes.

Submissions (3):

Labcorp Genetics (formerly Invitae), Labcorp
Classification: Uncertain significance. Last evaluated: 2024-01-30. Review status: criteria provided, single submitter. Criteria: Invitae Variant Classification Sherloc (09022015). Collection method: clinical testing. Allele origin: germline.
Comment: This sequence change replaces leucine, which is neutral and non-polar, with valine, which is neutral and non-polar, at codon 118 of the CHM protein (p.Leu118Val). This variant is present in population databases (no rsID available, gnomAD 0.004%). This variant has not been reported in the literature in individuals affected with CHM-related conditions. ClinVar contains an entry for this variant (Variation ID: 967667). Algorithms developed to predict the effect of missense changes on protein structure and function output the following: SIFT: "Not Available"; PolyPhen-2: "Probably Damaging"; Align-GVGD: "Not Available". The valine amino acid residue is found in multiple mammalian species, which suggests that this missense change does not adversely affect protein function. In summary, the available evidence is currently insufficient to determine the role of this variant in disease. Therefore, it has been classified as a Variant of Uncertain Significance.

Ambry Genetics
Classification: Uncertain significance for Inborn genetic diseases. Last evaluated: 2022-04-22. Review status: criteria provided, single submitter. Criteria: Ambry Variant Classification Scheme 2023. Collection method: clinical testing. Allele origin: germline.

Natera, Inc.
Classification: Uncertain significance for Choroideremia. Last evaluated: 2020-01-24. Review status: no assertion criteria provided. Collection method: clinical testing. Allele origin: germline. Not counted in ClinVar's aggregate classification.

NM_000390.4(CHM):c.352C>G (p.Leu118Val)

Genes: CHM (CHM Rab escort protein; minus strand), LOC129391306 (MPRA-validated peak7401 silencer; plus strand). Cytogenetic location: Xq21.2.
Variant type: single nucleotide variant.
Coding change: c.352C>G on transcript NM_000390.4 (MANE Select); coding-DNA position 352, C replaced by G.
Protein change: p.Leu118Val; replaces leucine 118 with valine.
Molecular consequence: missense variant. On other transcripts: 5 prime UTR variant (4).
Genome position (GRCh38, 1-based): chrX:85,964,015, G>C on the plus strand (C>G on the coding strand, the complement: CHM is on the minus strand). VCF-style: chrX-85964015-G-C. GRCh37 (hg19) VCF-style: chrX-85219020-G-C.
Other names: c.-93C>G (NM_001320959.1, NM_001362517.1, NM_001362518.2 and 1 more transcripts); short protein forms L118V.
Identifiers: ClinVar variation 967667 (VCV000967667.9), dbSNP rs1355442853, ClinGen allele CA413787374.